The following is an entry in ClinVar:

NC_000017.10:g.(?_39738787)_(39739685_?)del

Gene: KRT14 (keratin 14; minus strand). Cytogenetic location: 17q21.2.
Variant type: Deletion.
Identifiers: ClinVar variation 2423204 (VCV002423204.4).

ClinVar aggregate classification (germline): Pathogenic (1 of 4 stars; one submission).

Submission:

Labcorp Genetics (formerly Invitae), Labcorp
Classification: Pathogenic. Last evaluated: 2023-12-15. Review status: criteria provided, single submitter. Criteria: Invitae Variant Classification Sherloc (09022015). Collection method: clinical testing. Allele origin: germline.
Comment: This variant results in the deletion of exon 7 and part of exon 6 (c.1076_1322-3del) of the KRT14 gene. It is expected to disrupt RNA splicing. Variants that disrupt the donor or acceptor splice site typically lead to a loss of protein function (PMID: 16199547), however the current clinical and genetic evidence is not sufficient to establish whether loss-of-function variants in KRT14 cause disease. This variant has been observed in individual(s) with autosomal dominant epidermolysis bullosa simplex (Invitae). In at least one individual the variant was observed to be de novo. For these reasons, this variant has been classified as Pathogenic.

Literature cited by the submitters: PubMed 16199547.